The following is an entry in ClinVar:

NM_139057.4(ADAMTS17):c.2080G>A (p.Gly694Arg)

Gene: ADAMTS17 (ADAM metallopeptidase with thrombospondin type 1 motif 17; minus strand). Cytogenetic location: 15q26.3.
Variant type: single nucleotide variant.
Coding change: c.2080G>A on transcript NM_139057.4 (MANE Select); coding-DNA position 2080, G replaced by A.
Protein change: p.Gly694Arg; replaces glycine 694 with arginine.
Molecular consequence: missense variant.
Genome position (GRCh38, 1-based): chr15:100,096,413, C>T on the plus strand (G>A on the coding strand, the complement: ADAMTS17 is on the minus strand). VCF-style: chr15-100096413-C-T. GRCh37 (hg19) VCF-style: chr15-100636618-C-T.
Other names: c.2080G>A (NM_139057.2); short protein forms G694R.
Identifiers: ClinVar variation 1450920 (VCV001450920.8), dbSNP rs750466714, ClinGen allele CA7757902.
Genomic context (GRCh38, chr15:100,096,413, plus strand): 5'-CACCTGTCCCCCGGGCGTGGCTGAAGTCGCCCTTCACCAAGTGGCAGGTCTTGCCGTCCC[C>T]GCTGCAGACCCCGCATCTGTCCTCTTTGGCTGCAGACCCGATGATGCCGTCACAGCCGAT-3'
Protein context (NP_620688.2, residues 684-704): AKEDRCGVCS[Gly694Arg]DGKTCHLVKG

ClinVar aggregate classification (germline): Uncertain significance. Review status: criteria provided, multiple submitters, no conflicts (2 of 4 stars). 2 submissions from 2 submitters: Uncertain significance (2). Last evaluated 2023-12-11.

Conditions:
Inborn genetic diseases. Identifiers: MedGen C0950123, MeSH D030342.

Allele frequency attached by ClinVar (database versions not stated): gnomAD exomes 0.00002; TOPMed 0.00002; ExAC 0.00004.
gnomAD v4.1: 17 of 1,614,166 alleles (0.0011%); highest among the groups gnomAD compares: Admixed American, 0.0033%; no homozygotes.

Submissions (2):

Labcorp Genetics (formerly Invitae), Labcorp
Classification: Uncertain significance. Last evaluated: 2023-12-11. Review status: criteria provided, single submitter. Criteria: Invitae Variant Classification Sherloc (09022015). Collection method: clinical testing. Allele origin: germline.
Comment: This sequence change replaces glycine, which is neutral and non-polar, with arginine, which is basic and polar, at codon 694 of the ADAMTS17 protein (p.Gly694Arg). This variant is present in population databases (rs750466714, gnomAD 0.009%). This variant has not been reported in the literature in individuals affected with ADAMTS17-related conditions. ClinVar contains an entry for this variant (Variation ID: 1450920). An algorithm developed to predict the effect of missense changes on protein structure and function (PolyPhen-2) suggests that this variant is likely to be disruptive. In summary, the available evidence is currently insufficient to determine the role of this variant in disease. Therefore, it has been classified as a Variant of Uncertain Significance.

Ambry Genetics
Classification: Uncertain significance for Inborn genetic diseases. Last evaluated: 2023-04-26. Review status: criteria provided, single submitter. Criteria: Ambry Variant Classification Scheme 2023. Collection method: clinical testing. Allele origin: germline.